The following is an entry in ClinVar:

NM_004385.5(VCAN):c.3292A>G (p.Ile1098Val)

Gene: VCAN (versican; plus strand). Cytogenetic location: 5q14.3.
Variant type: single nucleotide variant.
Coding change: c.3292A>G on transcript NM_004385.5 (MANE Select); coding-DNA position 3292, A replaced by G.
Protein change: p.Ile1098Val; replaces isoleucine 1098 with valine.
Molecular consequence: missense variant. On other transcripts: intron variant (2).
Genome position (GRCh38, 1-based): chr5:83,521,598, A>G. VCF-style: chr5-83521598-A-G. GRCh37 (hg19) VCF-style: chr5-82817417-A-G.
Other names: c.3292A>G, p.Ile1098Val (NM_001164098.2); c.1042+9202A>G (NM_001164097.2, NM_001126336.3); short protein forms I1098V.
Identifiers: ClinVar variation 1905552 (VCV001905552.5), dbSNP rs2479057219, ClinGen allele CA360305743.

ClinVar aggregate classification (germline): Uncertain significance (1 of 4 stars; one submission).

Submission:

Labcorp Genetics (formerly Invitae), Labcorp
Classification: Uncertain significance. Last evaluated: 2025-07-25. Review status: criteria provided, single submitter. Criteria: Invitae Variant Classification Sherloc (09022015). Collection method: clinical testing. Allele origin: germline.
Comment: This sequence change replaces isoleucine, which is neutral and non-polar, with valine, which is neutral and non-polar, at codon 1098 of the VCAN protein (p.Ile1098Val). This variant is not present in population databases (gnomAD no frequency). This variant has not been reported in the literature in individuals affected with VCAN-related conditions. ClinVar contains an entry for this variant (Variation ID: 1905552). An algorithm developed to predict the effect of missense changes on protein structure and function outputs the following: PolyPhen-2: "Benign". The valine amino acid residue is found in multiple mammalian species, which suggests that this missense change does not adversely affect protein function. In summary, the available evidence is currently insufficient to determine the role of this variant in disease. Therefore, it has been classified as a Variant of Uncertain Significance.